The following is an entry in ClinVar:

NM_022095.4(ZNF335):c.3763G>A (p.Gly1255Ser)

Gene: ZNF335 (zinc finger protein 335; minus strand). Cytogenetic location: 20q13.12.
Variant type: single nucleotide variant.
Coding change: c.3763G>A on transcript NM_022095.4 (MANE Select); coding-DNA position 3763, G replaced by A.
Protein change: p.Gly1255Ser; replaces glycine 1255 with serine.
Molecular consequence: missense variant.
Genome position (GRCh38, 1-based): chr20:45,949,389, C>T on the plus strand (G>A on the coding strand, the complement: ZNF335 is on the minus strand). VCF-style: chr20-45949389-C-T. GRCh37 (hg19) VCF-style: chr20-44578028-C-T.
Other names: short protein forms G1255S.
Identifiers: ClinVar variation 3027241 (VCV003027241.22), dbSNP rs1172684207, ClinGen allele CA409233292.

ClinVar aggregate classification (germline): Uncertain significance (1 of 4 stars; one submission).

Allele frequency attached by ClinVar (database versions not stated): gnomAD exomes below 0.00001; TOPMed below 0.00001; gnomAD 0.00001.
gnomAD v4.1: 3 of 1,613,984 alleles (0.00019%); highest among the groups gnomAD compares: Non-Finnish European, 0.00025%; no homozygotes.

Submission:

CeGaT Center for Human Genetics Tuebingen
Classification: Uncertain significance. Last evaluated: 2024-02-01. Review status: criteria provided, single submitter. Criteria: CeGaT Center For Human Genetics Tuebingen Variant Classification Criteria Version 2. Collection method: clinical testing. Allele origin: germline. Affected: yes. Observed: 1 variant allele.
Comment: ZNF335: PM2